The following is an entry in ClinVar:

ClinVar aggregate classification (germline): Conflicting classifications of pathogenicity. Review status: criteria provided, conflicting classifications (1 of 4 stars). 2 submissions from 2 submitters: Uncertain significance (1); Likely benign (1). Last evaluated 2026-07-06.

Conditions:
Hereditary cancer-predisposing syndrome. Also called: Neoplastic Syndromes, Hereditary; Hereditary Cancer Syndrome; Tumor predisposition; Hereditary neoplastic syndrome. Identifiers: Orphanet 140162, MedGen C0027672, MeSH D009386, MONDO:0015356.
Multiple endocrine neoplasia, type 2 (MEN2). Identifiers: Orphanet 653, MedGen C4048306, MONDO:0019003. Disease mechanism: gain of function.

Submissions (2):

Ambry Genetics
Classification: Likely benign for Hereditary cancer-predisposing syndrome. Last evaluated: 2026-07-06. Review status: criteria provided, single submitter. Criteria: Ambry Variant Classification Scheme 2023. Collection method: clinical testing. Allele origin: germline.

Labcorp Genetics (formerly Invitae), Labcorp
Classification: Uncertain significance for Multiple endocrine neoplasia, type 2. Last evaluated: 2019-09-02. Review status: criteria provided, single submitter. Criteria: Invitae Variant Classification Sherloc (09022015). Collection method: clinical testing. Allele origin: germline.
Comment: In summary, the available evidence is currently insufficient to determine the role of this variant in disease. Therefore, it has been classified as a Variant of Uncertain Significance. Algorithms developed to predict the effect of missense changes on protein structure and function output the following: SIFT: "Tolerated"; PolyPhen-2: "Benign"; Align-GVGD: "Class C0". The leucine amino acid residue is found in multiple mammalian species, suggesting that this missense change does not adversely affect protein function. These predictions have not been confirmed by published functional studies and their clinical significance is uncertain. This sequence change replaces valine with leucine at codon 311 of the RET protein (p.Val311Leu). The valine residue is weakly conserved and there is a small physicochemical difference between valine and leucine. This variant is not present in population databases (ExAC no frequency). This variant has not been reported in the literature in individuals with RET-related conditions.

NM_020975.6(RET):c.931G>C (p.Val311Leu)

Gene: RET (ret proto-oncogene; plus strand). Cytogenetic location: 10q11.21.
Variant type: single nucleotide variant.
Coding change: c.931G>C on transcript NM_020975.6 (MANE Select); coding-DNA position 931, G replaced by C.
Protein change: p.Val311Leu; replaces valine 311 with leucine.
Molecular consequence: missense variant.
Genome position (GRCh38, 1-based): chr10:43,106,439, G>C. VCF-style: chr10-43106439-G-C. GRCh37 (hg19) VCF-style: chr10-43601887-G-C.
Other names: c.931G>C, p.Val311Leu (NM_000323.2, NM_001406743.1, NM_001406744.1 and 6 more transcripts); c.169G>C, p.Val57Leu (NM_001355216.2); c.802G>C, p.Val268Leu (NM_001406761.1, NM_001406762.1, NM_001406764.1 and 1 more transcripts); c.643G>C, p.Val215Leu (NM_001406766.1, NM_001406767.1, NM_001406770.1); short protein forms V311L, V57L, V215L, V268L.
Identifiers: ClinVar variation 940438 (VCV000940438.11), dbSNP rs1311500725, ClinGen allele CA376545963.